The following is an entry in ClinVar:

ClinVar aggregate classification (germline): Uncertain significance (1 of 4 stars; one submission).

Conditions:
Myofibrillar myopathy 5. Also called: Filaminopathy (type); FILAMINOPATHY, AUTOSOMAL DOMINANT. Identifiers: Orphanet 171445, MedGen C1836050, MONDO:0012289, OMIM 609524.
Hypertrophic cardiomyopathy 26. Also called: Cardiomyopathy, familial hypertrophic, 26. Identifiers: Orphanet 75249, MedGen C4310749, MONDO:0014883, OMIM 617047.
Distal myopathy with posterior leg and anterior hand involvement. Also called: WILLIAMS DISTAL MYOPATHY. Identifiers: Orphanet 63273, MedGen C3279722, MONDO:0013550, OMIM 614065.

Submission:

Labcorp Genetics (formerly Invitae), Labcorp
Classification: Uncertain significance for Distal myopathy with posterior leg and anterior hand involvement; Myofibrillar myopathy 5; Hypertrophic cardiomyopathy 26. Last evaluated: 2023-02-21. Review status: criteria provided, single submitter. Criteria: Invitae Variant Classification Sherloc (09022015). Collection method: clinical testing. Allele origin: germline.
Comment: This sequence change replaces threonine, which is neutral and polar, with alanine, which is neutral and non-polar, at codon 2238 of the FLNC protein (p.Thr2238Ala). This variant is not present in population databases (gnomAD no frequency). This variant has not been reported in the literature in individuals affected with FLNC-related conditions. An algorithm developed to predict the effect of missense changes on protein structure and function (PolyPhen-2) suggests that this variant is likely to be tolerated. In summary, the available evidence is currently insufficient to determine the role of this variant in disease. Therefore, it has been classified as a Variant of Uncertain Significance.

NM_001458.5(FLNC):c.6712A>G (p.Thr2238Ala)

Genes: FLNC (filamin C; plus strand), FLNC-AS1 (FLNC antisense RNA 1; minus strand). Cytogenetic location: 7q32.1.
Variant type: single nucleotide variant.
Coding change: c.6712A>G on transcript NM_001458.5 (MANE Select); coding-DNA position 6712, A replaced by G.
Protein change: p.Thr2238Ala; replaces threonine 2238 with alanine.
Molecular consequence: missense variant.
Genome position (GRCh38, 1-based): chr7:128,854,201, A>G. VCF-style: chr7-128854201-A-G. GRCh37 (hg19) VCF-style: chr7-128494255-A-G.
Other names: c.6613A>G, p.Thr2205Ala (NM_001127487.2); short protein forms T2238A, T2205A.
Identifiers: ClinVar variation 2944560 (VCV002944560.3), dbSNP rs2536664104, ClinGen allele CA369213270.